The following is an entry in ClinVar:

NM_006180.6(NTRK2):c.2298C>A (p.Gly766=)

Gene: NTRK2 (neurotrophic receptor tyrosine kinase 2; plus strand). Cytogenetic location: 9q21.33.
Variant type: single nucleotide variant.
Coding change: c.2298C>A on transcript NM_006180.6 (MANE Select); coding-DNA position 2298, C replaced by A.
Protein change: p.Gly766=; no amino-acid change (glycine 766 retained).
Molecular consequence: synonymous variant.
Genome position (GRCh38, 1-based): chr9:85,020,331, C>A. VCF-style: chr9-85020331-C-A. GRCh37 (hg19) VCF-style: chr9-87635246-C-A.
Other names: c.2250C>A, p.Gly750= (NM_001018064.3, NM_001369532.1, NM_001369533.1); c.2214C>A, p.Gly738= (NM_001369534.1); c.1782C>A, p.Gly594= (NM_001369535.1); c.1830C>A, p.Gly610= (NM_001369536.1).
Identifiers: ClinVar variation 4997233 (VCV004997233.1).

ClinVar aggregate classification (germline): Likely benign (1 of 4 stars; one submission).

Conditions:
NTRK2-related disorder. Also called: NTRK2-related condition.

gnomAD v4.1: 1 of 1,614,164 alleles (0.000062%); highest among the groups gnomAD compares: Non-Finnish European, 0.000085%; no homozygotes.

Submission:

PreventionGenetics, part of Exact Sciences
Classification: Likely benign for NTRK2-related condition. Last evaluated: 2025-02-22. Review status: criteria provided, single submitter. Criteria: ACMG Guidelines, 2015. Collection method: clinical testing. Allele origin: germline.
Comment: This variant is classified as likely benign based on ACMG/AMP sequence variant interpretation guidelines (Richards et al. 2015 PMID: 25741868, with internal and published modifications).